The following is an entry in ClinVar:

ClinVar aggregate classification (germline): Uncertain significance (1 of 4 stars; one submission).

Conditions:
PKD1-related disorder. Also called: PKD1-related condition.

Submission:

PreventionGenetics, part of Exact Sciences
Classification: Uncertain significance for PKD1-related condition. Last evaluated: 2025-10-09. Review status: criteria provided, single submitter. Criteria: ACMG Guidelines, 2015. Collection method: clinical testing. Allele origin: germline.
Comment: The PKD1 c.782G>T variant is predicted to result in the amino acid substitution p.Gly261Val. This variant was reported in an individual with isolated hypoglossal nerve palsy; the individual had liver cysts but not polycystic kidney disease (Chen et al. 2019. PubMed ID: 31703639). This variant has not been reported in a large population database (gnomAD), indicating this variant is rare. At this time, the clinical significance of this variant is uncertain due to the absence of conclusive functional and genetic evidence.

NM_001009944.3(PKD1):c.782G>T (p.Gly261Val)

Gene: PKD1 (polycystin 1, transient receptor potential channel interacting; minus strand). Cytogenetic location: 16p13.3.
Variant type: single nucleotide variant.
Coding change: c.782G>T on transcript NM_001009944.3 (MANE Select); coding-DNA position 782, G replaced by T.
Protein change: p.Gly261Val; replaces glycine 261 with valine.
Molecular consequence: missense variant.
Genome position (GRCh38, 1-based): chr16:2,118,210, C>A on the plus strand (G>T on the coding strand, the complement: PKD1 is on the minus strand). VCF-style: chr16-2118210-C-A. GRCh37 (hg19) VCF-style: chr16-2168211-C-A.
Other names: c.782G>T, p.Gly261Val (NM_000296.4); short protein forms G261V.
Identifiers: ClinVar variation 4994222 (VCV004994222.1).
Genomic context (GRCh38, chr16:2,118,210, plus strand): 5'-TGGGGCCCCACCAGGGTGGCCCCTGGGGAGGCAGGGAAGACGTGCTGGAGGAGGGTGGGG[C>A]CCCTACAGGTGGGGGCAGGAGGTGGCGGGGGGCCGGAGCAGAGGGACAGGCAGGCAAAGG-3'
Protein context (NP_001009944.3, residues 251-271): PPPPPAPTCR[Gly261Val]PTLLQHVFPA